The following is an entry in ClinVar:

ClinVar aggregate classification (germline): Uncertain significance. Review status: criteria provided, multiple submitters, no conflicts (2 of 4 stars). 2 submissions from 2 submitters: Uncertain significance (2). Last evaluated 2024-10-28.

Conditions:
Inborn genetic diseases. Identifiers: MedGen C0950123, MeSH D030342.

Allele frequency attached by ClinVar (database versions not stated): gnomAD exomes 0.00001; ExAC 0.00002.
gnomAD v4.1: 9 of 1,605,636 alleles (0.00056%); highest among the groups gnomAD compares: South Asian, 0.0066%; no homozygotes.

Submissions (2):

Ambry Genetics
Classification: Uncertain significance for Inborn genetic diseases. Last evaluated: 2024-10-28. Review status: criteria provided, single submitter. Criteria: Ambry Variant Classification Scheme 2023. Collection method: clinical testing. Allele origin: germline.

Labcorp Genetics (formerly Invitae), Labcorp
Classification: Uncertain significance. Last evaluated: 2024-02-24. Review status: criteria provided, single submitter. Criteria: Invitae Variant Classification Sherloc (09022015). Collection method: clinical testing. Allele origin: germline.
Comment: This sequence change replaces glycine, which is neutral and non-polar, with glutamic acid, which is acidic and polar, at codon 869 of the PLK4 protein (p.Gly869Glu). This variant is present in population databases (rs763873731, gnomAD 0.01%). This variant has not been reported in the literature in individuals affected with PLK4-related conditions. ClinVar contains an entry for this variant (Variation ID: 1913586). Algorithms developed to predict the effect of missense changes on protein structure and function output the following: SIFT: "Not Available"; PolyPhen-2: "Benign"; Align-GVGD: "Not Available". The glutamic acid amino acid residue is found in multiple mammalian species, which suggests that this missense change does not adversely affect protein function. In summary, the available evidence is currently insufficient to determine the role of this variant in disease. Therefore, it has been classified as a Variant of Uncertain Significance.

NM_014264.5(PLK4):c.2606G>A (p.Gly869Glu)

Gene: PLK4 (polo like kinase 4; plus strand). Cytogenetic location: 4q28.1.
Variant type: single nucleotide variant.
Coding change: c.2606G>A on transcript NM_014264.5 (MANE Select); coding-DNA position 2606, G replaced by A.
Protein change: p.Gly869Glu; replaces glycine 869 with glutamic acid.
Molecular consequence: missense variant.
Genome position (GRCh38, 1-based): chr4:127,894,996, G>A. VCF-style: chr4-127894996-G-A. GRCh37 (hg19) VCF-style: chr4-128816151-G-A.
Other names: c.2510G>A, p.Gly837Glu (NM_001190799.2); c.2483G>A, p.Gly828Glu (NM_001190801.2); c.2606G>A (NM_014264.4); short protein forms G828E, G837E, G869E.
Identifiers: ClinVar variation 1913586 (VCV001913586.6), dbSNP rs763873731, ClinGen allele CA3077106.